The following is an entry in ClinVar:

ClinVar aggregate classification (germline): Uncertain significance (1 of 4 stars; one submission).

Conditions:
Hereditary breast ovarian cancer syndrome. Also called: Hereditary breast and ovarian cancer syndrome (HBOC); Hereditary breast and/or ovarian cancer syndrome; Hereditary breast and ovarian cancer syndrome; Breast and ovarian cancer; Hereditary breast and ovarian cancer; BRCA1- and BRCA2-Associated Hereditary Breast and Ovarian Cancer. Identifiers: Orphanet 145, MedGen C0677776, MeSH D061325, MONDO:0003582. Disease mechanism: loss of function.

Submission:

Labcorp Genetics (formerly Invitae), Labcorp
Classification: Uncertain significance for Hereditary breast ovarian cancer syndrome. Last evaluated: 2023-09-03. Review status: criteria provided, single submitter. Criteria: Invitae Variant Classification Sherloc (09022015). Collection method: clinical testing. Allele origin: germline.
Comment: This sequence change replaces aspartic acid, which is acidic and polar, with glycine, which is neutral and non-polar, at codon 1314 of the BRCA1 protein (p.Asp1314Gly). This variant is not present in population databases (gnomAD no frequency). This variant has not been reported in the literature in individuals affected with BRCA1-related conditions. Advanced modeling of protein sequence and biophysical properties (such as structural, functional, and spatial information, amino acid conservation, physicochemical variation, residue mobility, and thermodynamic stability) performed at Invitae indicates that this missense variant is not expected to disrupt BRCA1 protein function. In summary, the available evidence is currently insufficient to determine the role of this variant in disease. Therefore, it has been classified as a Variant of Uncertain Significance.

NM_007294.4(BRCA1):c.3941A>G (p.Asp1314Gly)

Genes: BRCA1 (BRCA1 DNA repair associated; minus strand), LOC126862571 (BRD4-independent group 4 enhancer GRCh37_chr17:41243136-41244335; plus strand). Cytogenetic location: 17q21.31.
Variant type: single nucleotide variant.
Coding change: c.3941A>G on transcript NM_007294.4 (MANE Select); coding-DNA position 3941, A replaced by G.
Protein change: p.Asp1314Gly; replaces aspartic acid 1314 with glycine.
Molecular consequence: missense variant. On other transcripts: intron variant (135).
Genome position (GRCh38, 1-based): chr17:43,091,590, T>C on the plus strand (A>G on the coding strand, the complement: BRCA1 is on the minus strand). VCF-style: chr17-43091590-T-C. GRCh37 (hg19) VCF-style: chr17-41243607-T-C.
Other names: c.3797A>G, p.Asp1266Gly (NM_001407849.1, NM_001407943.1, NM_001407964.1 and 20 more transcripts); c.3728A>G, p.Asp1243Gly (NM_001407571.1, NM_001407853.1, NM_001407894.1 and 9 more transcripts); c.3941A>G, p.Asp1314Gly (NM_001407581.1, NM_001407582.1, NM_001407593.1 and 30 more transcripts); c.3938A>G, p.Asp1313Gly (NM_001407587.1, NM_001407590.1, NM_001407591.1 and 22 more transcripts); c.3800A>G, p.Asp1267Gly (NM_001407851.1, NM_001407852.1, NM_001407850.1 and 29 more transcripts); c.3740A>G, p.Asp1247Gly (NM_001407862.1); c.3818A>G, p.Asp1273Gly (NM_001407863.1, NM_001407919.1, NM_001407648.1 and 19 more transcripts); c.3737A>G, p.Asp1246Gly (NM_001407874.1, NM_001407875.1); and 41 more; short protein forms D1018G, D1146G, D1187G, D1203G, D1226G, D1244G, D1247G, D1311G.
Identifiers: ClinVar variation 2757680 (VCV002757680.3), dbSNP rs759916956, ClinGen allele CA10594079.